The following is an entry in ClinVar:

NM_000179.3(MSH6):c.500G>C (p.Ser167Thr)

Gene: MSH6 (mutS homolog 6; plus strand). Cytogenetic location: 2p16.3.
Variant type: single nucleotide variant.
Coding change: c.500G>C on transcript NM_000179.3 (MANE Select); coding-DNA position 500, G replaced by C.
Protein change: p.Ser167Thr; replaces serine 167 with threonine.
Molecular consequence: missense variant. On other transcripts: 5 prime UTR variant (1), intron variant (2).
Genome position (GRCh38, 1-based): chr2:47,795,936, G>C. VCF-style: chr2-47795936-G-C. GRCh37 (hg19) VCF-style: chr2-48023075-G-C.
Other names: c.-403G>C (NM_001281494.2); c.-279-2675G>C (NM_001281493.2); c.238-2675G>C (NM_001281492.2); short protein forms S167T.
Identifiers: ClinVar variation 1044569 (VCV001044569.10), dbSNP rs1669056436, ClinGen allele CA346738646.

ClinVar aggregate classification (germline): Uncertain significance (1 of 4 stars; one submission).

Conditions:
Hereditary nonpolyposis colorectal neoplasms. Identifiers: MedGen C0009405, MeSH D003123.

Allele frequency attached by ClinVar (database versions not stated): gnomAD exomes below 0.00001.
gnomAD v4.1: 1 of 1,614,090 alleles (0.000062%); highest among the groups gnomAD compares: Non-Finnish European, 0.000085%; no homozygotes.

Submission:

Labcorp Genetics (formerly Invitae), Labcorp
Classification: Uncertain significance for Hereditary nonpolyposis colorectal neoplasms. Last evaluated: 2020-01-30. Review status: criteria provided, single submitter. Criteria: Invitae Variant Classification Sherloc (09022015). Collection method: clinical testing. Allele origin: germline.
Comment: In summary, the available evidence is currently insufficient to determine the role of this variant in disease. Therefore, it has been classified as a Variant of Uncertain Significance. Algorithms developed to predict the effect of missense changes on protein structure and function output the following: SIFT: "Tolerated"; PolyPhen-2: "Benign"; Align-GVGD: "Class C0". The threonine amino acid residue is found in multiple mammalian species, suggesting that this missense change does not adversely affect protein function. These predictions have not been confirmed by published functional studies and their clinical significance is uncertain. This variant has not been reported in the literature in individuals with MSH6-related conditions. This variant is not present in population databases (ExAC no frequency). This sequence change replaces serine with threonine at codon 167 of the MSH6 protein (p.Ser167Thr). The serine residue is moderately conserved and there is a small physicochemical difference between serine and threonine.